The following is an entry in ClinVar:

NM_015443.4(KANSL1):c.3264C>T (p.Leu1088=)

Gene: KANSL1 (KAT8 regulatory NSL complex subunit 1). Cytogenetic location: 17q21.31.
Variant type: single nucleotide variant.
Coding change: c.3264C>T on transcript NM_015443.4 (MANE Select); coding-DNA position 3264, C replaced by T.
Protein change: p.Leu1088=; no amino-acid change (leucine 1088 retained).
Molecular consequence: synonymous variant.
Genome position (GRCh38, 1-based): chr17:46,031,530, G>A on the plus strand (C>T on the coding strand, the complement: KANSL1 is on the minus strand). VCF-style: chr17-46031530-G-A. GRCh37 (hg19) VCF-style: chr17-44108896-G-A.
Other names: c.3261C>T, p.Leu1087= (NM_001193465.2); c.3264C>T, p.Leu1088= (NM_001193466.2, NM_001379198.1).
Identifiers: ClinVar variation 377994 (VCV000377994.11), dbSNP rs370904425, ClinGen allele CA8618332.

ClinVar aggregate classification (germline): Likely benign. Review status: criteria provided, multiple submitters, no conflicts (2 of 4 stars). 2 submissions from 2 submitters: Likely benign (2). Last evaluated 2025-09-03.

Conditions:
Koolen-de Vries syndrome (KDVS). Identifiers: Orphanet 96169, MedGen C1864871, MONDO:0012496, OMIM 610443.

Allele frequency attached by ClinVar (database versions not stated): ExAC 0.00005; gnomAD 0.00007 and 0.00008; TOPMed 0.00011; ESP Exome Variant Server 0.00015.
gnomAD v4.1: 273 of 1,613,918 alleles (0.017%); highest among the groups gnomAD compares: Non-Finnish European, 0.023%; no homozygotes.

Submissions (2):

Labcorp Genetics (formerly Invitae), Labcorp
Classification: Likely benign for Koolen-de Vries syndrome. Last evaluated: 2025-09-03. Review status: criteria provided, single submitter. Criteria: Invitae Variant Classification Sherloc (09022015). Collection method: clinical testing. Allele origin: germline.

GeneDx
Classification: Likely benign. Last evaluated: 2024-05-21. Review status: criteria provided, single submitter. Criteria: GeneDx Variant Classification Process June 2021. Collection method: clinical testing. Allele origin: germline. Affected: yes.
Comment: See Variant Classification Assertion Criteria.